The following is an entry in ClinVar:

ClinVar aggregate classification (germline): Pathogenic. Review status: reviewed by expert panel (3 of 4 stars). 12 submissions from 12 submitters: Pathogenic (1). 11 of the submissions do not count toward it. Last evaluated 2017-03-17.

Conditions:
CFTR-related disorder (CFTR-RD). Also called: CFTR-related condition; CFTR-related disorders. Identifiers: MedGen C5924204, MONDO:7770004.
Cystic fibrosis (CF). Also called: MUCOVISCIDOSIS. Identifiers: Orphanet 586, MedGen C0010674, MONDO:0009061, OMIM 219700. Disease mechanism: loss of function.
Bronchiectasis with or without elevated sweat chloride 1 (BESC1). Also called: Cystic Fibrosis-Like Syndrome. Identifiers: Orphanet 60033, MedGen C2749757, MONDO:0008887, OMIM 211400.

Allele frequency attached by ClinVar (database versions not stated): TOPMed below 0.00001.
gnomAD v4.1: 4 of 1,553,448 alleles (0.00026%); highest among the groups gnomAD compares: Non-Finnish European, 0.00036%; no homozygotes.

Submissions (12):

CFTR2
Classification: Pathogenic for Cystic fibrosis. Last evaluated: 2017-03-17. Review status: reviewed by expert panel. Criteria: Sosnay PR et al. (Nat Genet 2013). Collection method: research. Allele origin: germline. Affected: yes. Study: CFTR2.

Labcorp Genetics (formerly Invitae), Labcorp
Classification: Pathogenic for Cystic fibrosis. Last evaluated: 2025-10-12. Review status: criteria provided, single submitter. Criteria: Invitae Variant Classification Sherloc (09022015). Collection method: clinical testing. Allele origin: germline. Not counted in ClinVar's aggregate classification.
Comment: This sequence change falls in intron 11 of the CFTR gene. It does not directly change the encoded amino acid sequence of the CFTR protein. This variant is not present in population databases (gnomAD no frequency). This variant has been observed in individuals with cystic fibrosis (PMID: 7512860, 23974870). This variant is also known as c.1717-8G>A. ClinVar contains an entry for this variant (Variation ID: 35828). Studies have shown that this variant alters mRNA splicing and is expected to lead to the loss of protein expression (PMID: 23381846, 25066652). For these reasons, this variant has been classified as Pathogenic.

PreventionGenetics, part of Exact Sciences
Classification: Pathogenic for CFTR-related condition. Last evaluated: 2025-06-02. Review status: criteria provided, single submitter. Criteria: ACMG Guidelines, 2015. Collection method: clinical testing. Allele origin: germline. Not counted in ClinVar's aggregate classification.
Comment: The CFTR c.1585-8G>A variant is predicted to interfere with splicing. This variant has been reported to disrupt canonical splicing and be causative for cystic fibrosis (Sosnay et al. 2013. PubMed ID: 23974870; Sharma et al. 2014. PubMed ID: 25066652). This variant has not been reported in a large population database, indicating this variant is rare. This variant is interpreted as pathogenic.

Women's Health and Genetics/Laboratory Corporation of America, LabCorp
Classification: Pathogenic for Cystic fibrosis. Last evaluated: 2025-03-05. Review status: criteria provided, single submitter. Criteria: LabCorp Variant Classification Summary - May 2015. Collection method: clinical testing. Allele origin: germline. Not counted in ClinVar's aggregate classification.
Comment: Variant summary: The CFTR c.1585-8G>A (legacy name c.1717-8G>A) variant involves the alteration of a non-conserved intronic nucleotide. Several computational tools predict a significant impact on normal splicing: Two predict the variant abolishes the canonical 3' acceptor site. One predict the variant weakens the canonical 3' acceptor site. Four predict the variant creates a cryptic 3' acceptor site. These predictions are supported by experimental evidence such as minigene studies showing that the variant leads to the use of an alternative 3' splice site causing the addition of terminations codons to the RNA transcript and absent mature protein (Sosnay 2013, Raynal 2013, Sharma 2014). The variant was absent in 250742 control chromosomes. c.1585-8G>A has been reported in the literature in multiple individuals affected with Cystic Fibrosis (Savov 1994, Bisceglia 1994, Claustres 2000, Alonso 2006, Faucz 2007, Sosnay 2013). These data indicate that the variant is very likely to be associated with disease. The following publications have been ascertained in the context of this evaluation (PMID: 7543317, 16126774, 17331079, 10923036, 7526928, 9099843, 9439669, 17718859, 19897426, 7512860, 23381846, 23974870, 25066652, 27067634). ClinVar contains an entry for this variant (Variation ID: 35828). Based on the evidence outlined above, the variant was classified as pathogenic.

Natera, Inc.
Classification: Pathogenic for CFTR-related disorders. Last evaluated: 2024-08-19. Review status: criteria provided, single submitter. Criteria: Natera Variant Classification Schema (03/2026). Collection method: clinical testing. Allele origin: germline. Not counted in ClinVar's aggregate classification.
Comment: The c.1585-8G>A variant in CFTR is an intronic variant located outside the canonical splice sites. This variant is rare in the general population with a frequency below the threshold expected for the associated phenotype(s). This variant has been observed in one or more individuals affected with the associated recessive disease, as either homozygous or compound heterozygous with a second variant (PMID: 25910067). Computational prediction algorithms indicate this variant is likely to affect gene or protein function. Given the available evidence, this variant is classified as Pathogenic.

Baylor Genetics
Classification: Pathogenic for Bronchiectasis with or without elevated sweat chloride 1. Last evaluated: 2024-03-01. Review status: criteria provided, single submitter. Criteria: ACMG Guidelines, 2015. Collection method: clinical testing. Allele origin: unknown. Not counted in ClinVar's aggregate classification.

Ambry Genetics
Classification: Pathogenic for Cystic fibrosis. Last evaluated: 2023-07-19. Review status: criteria provided, single submitter. Criteria: Ambry Variant Classification Scheme 2023. Collection method: clinical testing. Allele origin: germline. Not counted in ClinVar's aggregate classification.
Comment: The c.1585-8G>A intronic pathogenic mutation (also known as c.1717-8G>A) results from a G to A substitution 8 nucleotides upstream from coding exon 12 in the CFTR gene. This mutation was first identified in the heterozygous state in two cousins with recurrent pulmonary infections, pancreatic insufficiency, and positive sweat chloride tests (Savov A et al. Hum. Molec. Genet. 1994;3(1):57-60); one cousin also carried the p.F508del mutation on the opposite allele. This alteration has also been reported as a rare mutation identified in Spanish cystic fibrosis patients (Alonso MJ et al. Ann Hum Genet 2007;71(Pt2):194-201). Functional in vitro studies found that cells carrying this pathogenic mutation did not produce correctly spliced RNA or mature CFTR protein (Sosnay PR et al. Nat Genet. 2013;45(10):1160-7). The c.1585-8G>A mutation produces an RNA transcript that includes the six last nucleotides of intron 11 (TAATAG) at the 5' end of exon 12, leading to the in-frame inclusion of two consecutive premature termination codons (Raynal C et al. Hum Mutat 2013;34(5):774-84). This mutation is typically associated with elevated sweat chloride levels and pancreatic insufficiency (Sosnay PR et al. Nat Genet. 2013;45(10):1160-7). In addition, this variant has been detected in the homozygous state by our laboratory. Based on the supporting evidence, c.1585-8G>A is interpreted as a disease-causing mutation.

Mayo Clinic Laboratories, Mayo Clinic
Classification: Pathogenic. Last evaluated: 2020-05-01. Review status: criteria provided, single submitter. Criteria: ACMG Guidelines, 2015. Collection method: clinical testing. Allele origin: germline. Observed: 1 variant allele. Not counted in ClinVar's aggregate classification.
Comment: PS3, PS4_Moderate, PM2, PP1, PP3, PP4, PP5

Mendelics
Classification: Pathogenic for Cystic fibrosis. Last evaluated: 2018-11-05. Review status: criteria provided, single submitter. Criteria: Mendelics Assertion Criteria 2017. Collection method: clinical testing. Allele origin: unknown. Affected: yes. Not counted in ClinVar's aggregate classification.

CFTR-France
Classification: Pathogenic for cystic fibrosis. Last evaluated: 2018-01-29. Review status: criteria provided, single submitter. Criteria: Claustres M et al. (Hum Mutat 2017). Collection method: curation. Allele origin: germline. Affected: yes. Not counted in ClinVar's aggregate classification.

Quest Diagnostics Nichols Institute San Juan Capistrano
Classification: Pathogenic. Last evaluated: 2016-08-31. Review status: criteria provided, single submitter. Criteria: Quest Diagnostics criteria. Collection method: clinical testing. Allele origin: germline. Not counted in ClinVar's aggregate classification.

Counsyl
Classification: Pathogenic for Cystic fibrosis. Last evaluated: 2018-02-21. Review status: no assertion criteria provided. Collection method: clinical testing. Allele origin: unknown. Not counted in ClinVar's aggregate classification.

Literature cited by the submitters: PubMed 7512860 (cited by Labcorp Genetics (formerly Invitae), Labcorp and Women's Health and Genetics/Laboratory Corporation of America, LabCorp); PubMed 23974870 (cited by Labcorp Genetics (formerly Invitae), Labcorp and Women's Health and Genetics/Laboratory Corporation of America, LabCorp); PubMed 23381846 (cited by Labcorp Genetics (formerly Invitae), Labcorp and Women's Health and Genetics/Laboratory Corporation of America, LabCorp); PubMed 25066652 (cited by 3 submitters); PubMed 7543317 (cited by Women's Health and Genetics/Laboratory Corporation of America, LabCorp); PubMed 16126774 (cited by Women's Health and Genetics/Laboratory Corporation of America, LabCorp); PubMed 17331079 (cited by Women's Health and Genetics/Laboratory Corporation of America, LabCorp); PubMed 10923036 (cited by Women's Health and Genetics/Laboratory Corporation of America, LabCorp); PubMed 7526928 (cited by Women's Health and Genetics/Laboratory Corporation of America, LabCorp); PubMed 9099843 (cited by Women's Health and Genetics/Laboratory Corporation of America, LabCorp); PubMed 9439669 (cited by Women's Health and Genetics/Laboratory Corporation of America, LabCorp); PubMed 17718859 (cited by Women's Health and Genetics/Laboratory Corporation of America, LabCorp); PubMed 19897426 (cited by Women's Health and Genetics/Laboratory Corporation of America, LabCorp); PubMed 27067634 (cited by Women's Health and Genetics/Laboratory Corporation of America, LabCorp); PubMed 25910067 (cited by Natera, Inc. and Mayo Clinic Laboratories, Mayo Clinic); PubMed 29983195 (cited by Mayo Clinic Laboratories, Mayo Clinic).

NM_000492.4(CFTR):c.1585-8G>A

Genes: CFTR (CF transmembrane conductance regulator; plus strand), LOC111674475 (CFTR intron 11 enhancer; plus strand). Cytogenetic location: 7q31.2.
Variant type: single nucleotide variant.
Coding change: c.1585-8G>A on transcript NM_000492.4 (MANE Select); 8 bases into the intron before coding-DNA position 1585, G replaced by A.
Molecular consequence: intron variant.
Genome position (GRCh38, 1-based): chr7:117,587,731, G>A. VCF-style: chr7-117587731-G-A. GRCh37 (hg19) VCF-style: chr7-117227785-G-A.
Other names: 1717-8G->A.
Identifiers: ClinVar variation 35828 (VCV000035828.27), dbSNP rs193922503, ClinGen allele CA342836.